The following is an entry in ClinVar:

ClinVar aggregate classification (germline): Uncertain significance. Review status: criteria provided, multiple submitters, no conflicts (2 of 4 stars). 2 submissions from 2 submitters: Uncertain significance (2). Last evaluated 2024-09-08.

Allele frequency attached by ClinVar (database versions not stated): gnomAD exomes below 0.00001.

Submissions (2):

Ambry Genetics
Classification: Uncertain significance. Last evaluated: 2024-09-08. Review status: criteria provided, single submitter. Criteria: Ambry Variant Classification Scheme 2023. Collection method: clinical testing. Allele origin: germline.

Labcorp Genetics (formerly Invitae), Labcorp
Classification: Uncertain significance. Last evaluated: 2023-05-07. Review status: criteria provided, single submitter. Criteria: Invitae Variant Classification Sherloc (09022015). Collection method: clinical testing. Allele origin: germline.
Comment: This variant is not present in population databases (gnomAD no frequency). In summary, the available evidence is currently insufficient to determine the role of this variant in disease. Therefore, it has been classified as a Variant of Uncertain Significance. An algorithm developed to predict the effect of missense changes on protein structure and function (PolyPhen-2) suggests that this variant is likely to be disruptive. This variant has not been reported in the literature in individuals affected with NUP85-related conditions. This sequence change replaces leucine, which is neutral and non-polar, with phenylalanine, which is neutral and non-polar, at codon 531 of the NUP85 protein (p.Leu531Phe).

NM_024844.5(NUP85):c.1591C>T (p.Leu531Phe)

Gene: NUP85 (nucleoporin 85; plus strand). Cytogenetic location: 17q25.1.
Variant type: single nucleotide variant.
Coding change: c.1591C>T on transcript NM_024844.5 (MANE Select); coding-DNA position 1591, C replaced by T.
Protein change: p.Leu531Phe; replaces leucine 531 with phenylalanine.
Molecular consequence: missense variant.
Genome position (GRCh38, 1-based): chr17:75,233,134, C>T. VCF-style: chr17-75233134-C-T. GRCh37 (hg19) VCF-style: chr17-73229229-C-T.
Other names: c.1591C>T (NM_024844.3); c.1453C>T, p.Leu485Phe (NM_001303276.2); c.1456C>T, p.Leu486Phe (NM_001330472.2); short protein forms L485F, L486F, L531F.
Identifiers: ClinVar variation 2870066 (VCV002870066.4), dbSNP rs2544909627, ClinGen allele CA400990010.